The following is an entry in ClinVar:

NM_181882.3(PRX):c.381+41G>A

Gene: PRX (periaxin; minus strand). Cytogenetic location: 19q13.2.
Variant type: single nucleotide variant.
Coding change: c.381+41G>A on transcript NM_181882.3 (MANE Select); 41 bases into the intron after coding-DNA position 381, G replaced by A.
Molecular consequence: intron variant. On other transcripts: missense variant (1).
Genome position (GRCh38, 1-based): chr19:40,398,579, C>T on the plus strand (G>A on the coding strand, the complement: PRX is on the minus strand). VCF-style: chr19-40398579-C-T. GRCh37 (hg19) VCF-style: chr19-40904486-C-T.
Other names: c.422G>A, p.Ser141Asn (NM_020956.2); short protein forms S141N.
Identifiers: ClinVar variation 2428601 (VCV002428601.4), dbSNP rs141724210, ClinGen allele CA9444489.
Genomic context (GRCh38, chr19:40,398,579, plus strand): 5'-AGAGGGCAAGGCTGGCCCACGATGGCGGGGAATGGGGCTCACGGCGCAGAGACCGGATCG[C>T]TGGGGCAGTCCAGGGCCGGGGCCGGGCTAAGCACGCGTACCAGCTTGGCCACCTTGGCCC-3'

ClinVar aggregate classification (germline): Uncertain significance. Review status: criteria provided, multiple submitters, no conflicts (2 of 4 stars). 2 submissions from 2 submitters: Uncertain significance (2). Last evaluated 2026-03-10.

Conditions:
PRX-related disorder. Also called: PRX-related condition; PRX-Related Disorders.

Allele frequency attached by ClinVar (database versions not stated): ExAC 0.00005; TOPMed 0.00005; gnomAD 0.00006; ESP Exome Variant Server 0.00008; 1000 Genomes Project 30x 0.00016; 1000 Genomes Project 0.00020.

Submissions (2):

PreventionGenetics, part of Exact Sciences
Classification: Uncertain significance for PRX-related condition. Last evaluated: 2026-03-10. Review status: criteria provided, single submitter. Criteria: ACMG Guidelines, 2015. Collection method: clinical testing. Allele origin: germline.
Comment: The PRX c.422G>A variant is predicted to result in the amino acid substitution p.Ser141Asn. To our knowledge, this variant has not been reported in the literature. This variant is reported in 0.0088% of alleles in individuals of European (non-Finnish) descent in gnomAD. At this time, the clinical significance of this variant is uncertain due to the absence of conclusive functional and genetic evidence.

ARUP Laboratories, Molecular Genetics and Genomics, ARUP Laboratories
Classification: Uncertain significance. Last evaluated: 2022-10-21. Review status: criteria provided, single submitter. Criteria: ARUP Molecular Germline Variant Investigation Process 2021. Collection method: clinical testing. Allele origin: germline.
Comment: The PRX NM_020956.2 c.422G>A; p.Ser141Asn variant (rs141724210), also known as c.381+41G>A for NM_181882.3, to our knowledge, is not reported in the medical literature or gene specific databases. This variant is found in the general population with an overall allele frequency of 0.0047% (13/275442 alleles) in the Genome Aggregation Database. The serine at codon 141 is weakly conserved, and computational analyses predict that this variant is neutral (REVEL: 0.070). This variant is found in an alternate transcript of PRX that is highly expressed in nerve tissue (Genotype-Tissue Expression project), however the association with Charcot-Marie-Tooth disease is unknown. On the main transcript, this is an intronic variant in a moderately conserved nucleotide, and computational analyses (Alamut v.1.5.1) predict that this variant does not alter splicing. Due to limited information, the clinical significance of this variant is uncertain at this time.